The following is an entry in ClinVar:

ClinVar aggregate classification (germline): Uncertain significance. Review status: criteria provided, multiple submitters, no conflicts (2 of 4 stars). 2 submissions from 2 submitters: Uncertain significance (2). Last evaluated 2023-12-17.

Conditions:
Inborn genetic diseases. Identifiers: MedGen C0950123, MeSH D030342.
Congenital myasthenic syndrome 10. Also called: Myasthenia, limb-girdle, familial. Identifiers: Orphanet 590, MedGen C1850792, MONDO:0009690, OMIM 254300.
Fetal akinesia deformation sequence 1 (FADS1). Also called: Fetal akinesia sequence; Pena-Shokeir syndrome type I. Identifiers: Orphanet 994, MedGen C1276035, MONDO:0100101, OMIM 208150, HP:0001989.

Allele frequency attached by ClinVar (database versions not stated): gnomAD exomes below 0.00001; TOPMed below 0.00001; ExAC 0.00004.
gnomAD v4.1: 3 of 1,564,490 alleles (0.00019%); highest among the groups gnomAD compares: East Asian, 0.0048%; no homozygotes.

Submissions (2):

Ambry Genetics
Classification: Uncertain significance for Inborn genetic diseases. Last evaluated: 2023-12-17. Review status: criteria provided, single submitter. Criteria: Ambry Variant Classification Scheme 2023. Collection method: clinical testing. Allele origin: germline.

Labcorp Genetics (formerly Invitae), Labcorp
Classification: Uncertain significance for Congenital myasthenic syndrome 10; Fetal akinesia deformation sequence 1. Last evaluated: 2022-07-29. Review status: criteria provided, single submitter. Criteria: Invitae Variant Classification Sherloc (09022015). Collection method: clinical testing. Allele origin: germline.
Comment: This sequence change replaces serine, which is neutral and polar, with alanine, which is neutral and non-polar, at codon 225 of the DOK7 protein (p.Ser225Ala). This variant is present in population databases (rs745601159, gnomAD 0.02%). This variant has not been reported in the literature in individuals affected with DOK7-related conditions. Algorithms developed to predict the effect of missense changes on protein structure and function output the following: SIFT: "Tolerated"; PolyPhen-2: "Benign"; Align-GVGD: "Class C0". The alanine amino acid residue is found in multiple mammalian species, which suggests that this missense change does not adversely affect protein function. In summary, the available evidence is currently insufficient to determine the role of this variant in disease. Therefore, it has been classified as a Variant of Uncertain Significance.

NM_173660.5(DOK7):c.673T>G (p.Ser225Ala)

Gene: DOK7 (docking protein 7; plus strand). Cytogenetic location: 4p16.3.
Variant type: single nucleotide variant.
Coding change: c.673T>G on transcript NM_173660.5 (MANE Select); coding-DNA position 673, T replaced by G.
Protein change: p.Ser225Ala; replaces serine 225 with alanine.
Molecular consequence: missense variant. On other transcripts: 5 prime UTR variant (1).
Genome position (GRCh38, 1-based): chr4:3,489,697, T>G. VCF-style: chr4-3489697-T-G. GRCh37 (hg19) VCF-style: chr4-3491424-T-G.
Other names: c.662T>G, p.Leu221Arg (NM_001164673.2); c.-258T>G (NM_001256896.2); c.673T>G, p.Ser225Ala (NM_001301071.2); c.241T>G, p.Ser81Ala (NM_001363811.2); c.673T>G (NM_173660.4); short protein forms S225A, S81A, L221R.
Identifiers: ClinVar variation 1938094 (VCV001938094.3), dbSNP rs745601159, ClinGen allele CA2829143.